The following is an entry in ClinVar:

ClinVar aggregate classification (germline): Uncertain significance (1 of 4 stars; one submission).

Submission:

GeneDx
Classification: Uncertain significance. Last evaluated: 2024-10-28. Review status: criteria provided, single submitter. Criteria: GeneDx Variant Classification Process June 2021. Collection method: clinical testing. Allele origin: germline. Affected: yes.
Comment: Has not been previously published as pathogenic or benign to our knowledge; Not observed at significant frequency in large population cohorts (gnomAD); In silico analysis supports that this missense variant has a deleterious effect on protein structure/function

NM_006514.4(SCN10A):c.1852A>T (p.Thr618Ser)

Gene: SCN10A (sodium voltage-gated channel alpha subunit 10; minus strand). Cytogenetic location: 3p22.2.
Variant type: single nucleotide variant.
Coding change: c.1852A>T on transcript NM_006514.4 (MANE Select); coding-DNA position 1852, A replaced by T.
Protein change: p.Thr618Ser; replaces threonine 618 with serine.
Molecular consequence: missense variant.
Genome position (GRCh38, 1-based): chr3:38,750,088, T>A on the plus strand (A>T on the coding strand, the complement: SCN10A is on the minus strand). VCF-style: chr3-38750088-T-A. GRCh37 (hg19) VCF-style: chr3-38791579-T-A.
Other names: c.1852A>T, p.Thr618Ser (NM_001293306.2); c.1558A>T, p.Thr520Ser (NM_001293307.2); short protein forms T520S, T618S.
Identifiers: ClinVar variation 3893484 (VCV003893484.1).